The following is an entry in ClinVar:

ClinVar aggregate classification (germline): Conflicting classifications of pathogenicity. Review status: criteria provided, conflicting classifications (1 of 4 stars). 4 submissions from 4 submitters: Uncertain significance (2); Likely benign (2). Last evaluated 2025-07-01.

Conditions:
Inborn genetic diseases. Identifiers: MedGen C0950123, MeSH D030342.
Childhood apraxia of speech (SPCH1). Also called: FOXP2-Related Speech and Language Disorder; Speech language disorder; DEVELOPMENTAL VERBAL DYSPRAXIA; SPEECH AND LANGUAGE DISORDER WITH OROFACIAL DYSPRAXIA. Identifiers: Orphanet 209908, MedGen C0750927, MONDO:0011184, OMIM 602081.

Allele frequency attached by ClinVar (database versions not stated): gnomAD 0.00008 and 0.00009; gnomAD exomes 0.00008 and 0.00052; ExAC 0.00009; TOPMed 0.00009.
gnomAD v4.1: 614 of 1,349,464 alleles (0.045%); highest among the groups gnomAD compares: Non-Finnish European, 0.059%; no homozygotes.

Submissions (4):

CeGaT Center for Human Genetics Tuebingen
Classification: Likely benign. Last evaluated: 2025-07-01. Review status: criteria provided, single submitter. Criteria: CeGaT Center For Human Genetics Tuebingen Variant Classification Criteria Version 2. Collection method: clinical testing. Allele origin: germline. Affected: yes. Observed: 1 variant allele.
Comment: FOXP2: BS2

Fulgent Genetics
Classification: Uncertain significance for Childhood apraxia of speech. Last evaluated: 2021-11-05. Review status: criteria provided, single submitter. Criteria: ACMG Guidelines, 2015. Collection method: clinical testing. Allele origin: unknown.

GeneDx
Classification: Uncertain significance. Last evaluated: 2020-02-25. Review status: criteria provided, single submitter. Criteria: GeneDx Variant Classification Process June 2021. Collection method: clinical testing. Allele origin: germline. Affected: yes.
Comment: Canonical splice site variant predicted to result in a null allele in a gene for which loss-of-function is a known mechanism of disease; Has not been previously published as pathogenic or benign to our knowledge

Ambry Genetics
Classification: Likely benign for Inborn genetic diseases. Last evaluated: 2020-01-30. Review status: criteria provided, single submitter. Criteria: Ambry Variant Classification Scheme 2023. Collection method: clinical testing. Allele origin: germline.

NM_014491.4(FOXP2):c.598-1G>C

Gene: FOXP2 (forkhead box P2; plus strand). Cytogenetic location: 7q31.1.
Variant type: single nucleotide variant.
Coding change: c.598-1G>C on transcript NM_014491.4 (MANE Select); the canonical splice acceptor site of the intron before coding-DNA position 598, G replaced by C.
Molecular consequence: splice acceptor variant. On other transcripts: intron variant (1).
Genome position (GRCh38, 1-based): chr7:114,631,527, G>C. VCF-style: chr7-114631527-G-C. GRCh37 (hg19) VCF-style: chr7-114271582-G-C.
Other names: c.673-1G>C (NM_148898.4, NM_001172767.2); c.649-1G>C (NM_148900.4); c.598-4G>C (NM_001172766.3); c.598-1G>C (NM_148899.3).
Identifiers: ClinVar variation 449028 (VCV000449028.14), dbSNP rs752704782, ClinGen allele CA4445875.